The following is an entry in ClinVar:

ClinVar aggregate classification (germline): Uncertain significance (1 of 4 stars; one submission).

Conditions:
Ehlers-Danlos syndrome, type 4 (EDSVASC). Also called: Ehlers-Danlos syndrome vascular type; Ehlers Danlos syndrome, ecchymotic type; Ehlers Danlos syndrome, arterial type; Ehlers Danlos syndrome, Sack-Barabas type; Ehlers-Danlos Syndrome Type IV. Identifiers: Orphanet 286, MedGen C0268338, MONDO:0017314, OMIM 130050.

gnomAD v4.1: 5 of 1,551,594 alleles (0.00032%); highest among the groups gnomAD compares: Non-Finnish European, 0.00035%; no homozygotes.

Submission:

Labcorp Genetics (formerly Invitae), Labcorp
Classification: Uncertain significance for Ehlers-Danlos syndrome, type 4. Last evaluated: 2024-10-29. Review status: criteria provided, single submitter. Criteria: Invitae Variant Classification Sherloc (09022015). Collection method: clinical testing. Allele origin: germline.
Comment: This sequence change replaces proline, which is neutral and non-polar, with leucine, which is neutral and non-polar, at codon 838 of the COL3A1 protein (p.Pro838Leu). This variant is not present in population databases (gnomAD no frequency). This variant has not been reported in the literature in individuals affected with COL3A1-related conditions. Invitae Evidence Modeling of protein sequence and biophysical properties (such as structural, functional, and spatial information, amino acid conservation, physicochemical variation, residue mobility, and thermodynamic stability) indicates that this missense variant is not expected to disrupt COL3A1 protein function with a negative predictive value of 95%. In summary, the available evidence is currently insufficient to determine the role of this variant in disease. Therefore, it has been classified as a Variant of Uncertain Significance.

NM_000090.4(COL3A1):c.2513C>T (p.Pro838Leu)

Gene: COL3A1 (collagen type III alpha 1 chain; plus strand). Cytogenetic location: 2q32.2.
Variant type: single nucleotide variant.
Coding change: c.2513C>T on transcript NM_000090.4 (MANE Select); coding-DNA position 2513, C replaced by T.
Protein change: p.Pro838Leu; replaces proline 838 with leucine.
Molecular consequence: missense variant.
Genome position (GRCh38, 1-based): chr2:189,003,022, C>T. VCF-style: chr2-189003022-C-T. GRCh37 (hg19) VCF-style: chr2-189867748-C-T.
Other names: short protein forms P838L.
Identifiers: ClinVar variation 3719291 (VCV003719291.2).